The following is an entry in ClinVar:

NM_001101.5(ACTB):c.-6-15C>G

Gene: ACTB (actin beta; minus strand). Cytogenetic location: 7p22.1.
Variant type: single nucleotide variant.
Coding change: c.-6-15C>G on transcript NM_001101.5 (MANE Select); 15 bases into the intron before 6 bases upstream of the start codon, C replaced by G.
Molecular consequence: intron variant.
Genome position (GRCh38, 1-based): chr7:5,529,678, G>C on the plus strand (C>G on the coding strand, the complement: ACTB is on the minus strand). VCF-style: chr7-5529678-G-C. GRCh37 (hg19) VCF-style: chr7-5569309-G-C.
Other names: NC_000007.13:g.5569309G>C; c.-6-15C>G (LRG_132t1).
Identifiers: ClinVar variation 388314 (VCV000388314.4), dbSNP rs375195937, ClinGen allele CA4147225.

ClinVar aggregate classification (germline): Likely benign. Review status: criteria provided, multiple submitters, no conflicts (2 of 4 stars). 3 submissions from 3 submitters: Likely benign (3). Last evaluated 2021-08-10.

Conditions:
Developmental malformations-deafness-dystonia syndrome (DDS1). Identifiers: Orphanet 79107, MedGen C5848323, MONDO:0011823, OMIM 607371.
Baraitser-Winter syndrome 1 (BRWS1). Also called: BARAITSER-WINTER SYNDROME 1, ATYPICAL; PACHYGYRIA, MENTAL RETARDATION, EPILEPSY, AND CHARACTERISTIC FACIES; MENTAL RETARDATION WITH EPILEPSY AND CHARACTERISTIC FACIES; Cerebrofrontofacial syndrome. Identifiers: Orphanet 2649, Orphanet 2995, MedGen C1855722, MONDO:0009470, OMIM 243310.

Allele frequency attached by ClinVar (database versions not stated): TOPMed 0.00022; ESP Exome Variant Server 0.00008.

Submissions (5):

Fulgent Genetics
Classification: Likely benign for Baraitser-Winter syndrome 1; Developmental malformations-deafness-dystonia syndrome. Last evaluated: 2021-08-10. Review status: criteria provided, single submitter. Criteria: ACMG Guidelines, 2015. Collection method: clinical testing. Allele origin: unknown.

GeneDx
Classification: Likely benign. Last evaluated: 2018-01-29. Review status: criteria provided, single submitter. Criteria: GeneDx Variant Classification (06012015). Collection method: clinical testing. Allele origin: germline. Affected: yes.
Comment: This variant is considered likely benign or benign based on one or more of the following criteria: it is a conservative change, it occurs at a poorly conserved position in the protein, it is predicted to be benign by multiple in silico algorithms, and/or has population frequency not consistent with disease.

Breakthrough Genomics
Classification: Likely benign. Review status: criteria provided, single submitter. Criteria: ACMG Guidelines, 2015. Collection method: not provided. Allele origin: germline. Inheritance: Autosomal dominant inheritance. Affected: yes.

Dr. Peter K. Rogan Lab, Western University
No classification provided (evidence only). Condition: Familial prostate cancer. Review status: no classification provided. Collection method: in vitro. Allele origin: not applicable. Functional consequence: retained intron. Not counted in ClinVar's aggregate classification.

Dr. Peter K. Rogan Lab, Western University
No classification provided (evidence only). Condition: Nonpapillary renal cell carcinoma. Review status: no classification provided. Collection method: in vitro. Allele origin: not applicable. Functional consequence: retained intron. Not counted in ClinVar's aggregate classification.